The following is an entry in ClinVar:

ClinVar aggregate classification (germline): Uncertain significance. Review status: criteria provided, multiple submitters, no conflicts (2 of 4 stars). 2 submissions from 2 submitters: Uncertain significance (2). Last evaluated 2024-12-15.

Conditions:
Inborn genetic diseases. Identifiers: MedGen C0950123, MeSH D030342.

Allele frequency attached by ClinVar (database versions not stated): gnomAD exomes 0.00001; TOPMed 0.00001; ExAC 0.00002; ESP Exome Variant Server 0.00008.
gnomAD v4.1: 17 of 1,614,002 alleles (0.0011%); highest among the groups gnomAD compares: African/African-American, 0.0027%; no homozygotes.

Submissions (2):

Ambry Genetics
Classification: Uncertain significance for Inborn genetic diseases. Last evaluated: 2024-12-15. Review status: criteria provided, single submitter. Criteria: Ambry Variant Classification Scheme 2023. Collection method: clinical testing. Allele origin: germline.
Comment: The p.A653V variant (also known as c.1958C>T), located in coding exon 8 of the MECOM gene, results from a C to T substitution at nucleotide position 1958. The alanine at codon 653 is replaced by valine, an amino acid with similar properties. This amino acid position is conserved. In addition, the in silico prediction for this alteration is inconclusive. Based on the available evidence, the clinical significance of this variant remains unclear.

Labcorp Genetics (formerly Invitae), Labcorp
Classification: Uncertain significance. Last evaluated: 2024-01-29. Review status: criteria provided, single submitter. Criteria: Invitae Variant Classification Sherloc (09022015). Collection method: clinical testing. Allele origin: germline.
Comment: This sequence change replaces alanine, which is neutral and non-polar, with valine, which is neutral and non-polar, at codon 465 of the MECOM protein (p.Ala465Val). This variant is present in population databases (rs375314275, gnomAD 0.006%). This variant has not been reported in the literature in individuals affected with MECOM-related conditions. An algorithm developed to predict the effect of missense changes on protein structure and function (PolyPhen-2) suggests that this variant is likely to be disruptive. In summary, the available evidence is currently insufficient to determine the role of this variant in disease. Therefore, it has been classified as a Variant of Uncertain Significance.

NM_004991.4(MECOM):c.1958C>T (p.Ala653Val)

Gene: MECOM (MDS1 and EVI1 complex locus; minus strand). Cytogenetic location: 3q26.2.
Variant type: single nucleotide variant.
Coding change: c.1958C>T on transcript NM_004991.4 (MANE Select); coding-DNA position 1958, C replaced by T.
Protein change: p.Ala653Val; replaces alanine 653 with valine.
Molecular consequence: missense variant. On other transcripts: intron variant (2).
Genome position (GRCh38, 1-based): chr3:169,115,914, G>A on the plus strand (C>T on the coding strand, the complement: MECOM is on the minus strand). VCF-style: chr3-169115914-G-A. GRCh37 (hg19) VCF-style: chr3-168833702-G-A.
Other names: c.1589C>T, p.Ala530Val (NM_001105077.4); c.1394C>T, p.Ala465Val (NM_001105078.4, NM_001164000.2, NM_001205194.2 and 4 more transcripts); c.1397C>T, p.Ala466Val (NM_001163999.2, NM_001366467.2, NM_001366468.2 and 1 more transcripts); c.1958C>T, p.Ala653Val (NM_001366466.2); c.1133-147C>T (NM_001366473.2); c.569-147C>T (NM_001366474.2); c.1958C>T (NM_004991.3); short protein forms A465V, A466V, A530V, A653V.
Identifiers: ClinVar variation 2869103 (VCV002869103.4), dbSNP rs375314275, ClinGen allele CA2696268.